The following is an entry in ClinVar:

NM_004168.4(SDHA):c.918C>T (p.Leu306=)

Gene: SDHA (succinate dehydrogenase complex flavoprotein subunit A; plus strand). Cytogenetic location: 5p15.33.
Variant type: single nucleotide variant.
Coding change: c.918C>T on transcript NM_004168.4 (MANE Select); coding-DNA position 918, C replaced by T.
Protein change: p.Leu306=; no amino-acid change (leucine 306 retained).
Molecular consequence: synonymous variant.
Genome position (GRCh38, 1-based): chr5:233,499, C>T. VCF-style: chr5-233499-C-T. GRCh37 (hg19) VCF-style: chr5-233614-C-T.
Other names: c.774C>T, p.Leu258= (NM_001294332.2); c.918C>T, p.Leu306= (NM_001330758.2).
Identifiers: ClinVar variation 706963 (VCV000706963.16), dbSNP rs138828792, ClinGen allele CA442691657.

ClinVar aggregate classification (germline): Benign/Likely benign. Review status: criteria provided, multiple submitters, no conflicts (2 of 4 stars). 3 submissions from 3 submitters: Benign (1); Likely benign (2). Last evaluated 2025-11-27.

Conditions:
Hereditary cancer-predisposing syndrome. Also called: Tumor predisposition; Neoplastic Syndromes, Hereditary; Hereditary Cancer Syndrome; Hereditary neoplastic syndrome. Identifiers: Orphanet 140162, MedGen C0027672, MeSH D009386, MONDO:0015356.
Pheochromocytoma/paraganglioma syndrome 5. Also called: Paragangliomas 5; SDHA-Related Hereditary Paraganglioma-Pheochromocytoma Syndrome. Identifiers: Orphanet 29072, MedGen C3279992, MONDO:0013602, OMIM 614165.
Mitochondrial complex II deficiency, nuclear type 1. Also called: SUCCINATE CoQ REDUCTASE DEFICIENCY. Identifiers: Orphanet 3208, MedGen C5700310, MONDO:0100294, OMIM 252011.

gnomAD v4.1: 3 of 1,614,174 alleles (0.00019%); highest among the groups gnomAD compares: Non-Finnish European, 0.00025%; no homozygotes.

Submissions (3):

Labcorp Genetics (formerly Invitae), Labcorp
Classification: Likely benign for Pheochromocytoma/paraganglioma syndrome 5; Mitochondrial complex II deficiency, nuclear type 1. Last evaluated: 2025-11-27. Review status: criteria provided, single submitter. Criteria: Invitae Variant Classification Sherloc (09022015). Collection method: clinical testing. Allele origin: germline.

Myriad Genetics, Inc.
Classification: Benign for Pheochromocytoma/paraganglioma syndrome 5. Last evaluated: 2025-03-04. Review status: criteria provided, single submitter. Criteria: Myriad Autosomal Dominant, Autosomal Recessive and X-Linked Classification Criteria (2023). Collection method: clinical testing. Allele origin: unknown.
Comment: This variant is considered benign. This variant is a silent/synonymous amino acid change and it is not expected to impact splicing.

Ambry Genetics
Classification: Likely benign for Hereditary cancer-predisposing syndrome. Last evaluated: 2018-07-13. Review status: criteria provided, single submitter. Criteria: Ambry Variant Classification Scheme 2023. Collection method: clinical testing. Allele origin: germline.